The following is an entry in ClinVar:

ClinVar aggregate classification (germline): Likely pathogenic (1 of 4 stars; one submission).

Conditions:
Autosomal recessive osteopetrosis 1. Also called: ALBERS-SCHONBERG DISEASE, AUTOSOMAL RECESSIVE; TCIRG1-Related Autosomal Recessive Osteopetrosis; TCIRG1-Related Osteopetrosis. Identifiers: Orphanet 667, MedGen C1850127, MONDO:0009815, OMIM 259700.

Submission:

Natera, Inc.
Classification: Likely pathogenic for Infantile malignant osteopetrosis. Last evaluated: 2024-10-07. Review status: criteria provided, single submitter. Criteria: Natera Variant Classification Schema (03/2026). Collection method: clinical testing. Allele origin: germline.
Comment: The c.1015_1019dup variant in TCIRG1 is a frameshift variant predicted to shift the reading frame beginning at codon 341 and leads to a stop codon 7 codons downstream. This variant is expected to result in nonsense mediated decay, truncation, or a dysfunctional protein product. This variant is rare in the general population with a frequency below the threshold expected for the associated phenotype(s). Given the available evidence, this variant is classified as Likely Pathogenic.

NM_006019.4(TCIRG1):c.1015_1019dup (p.Met341fs)

Gene: TCIRG1 (T cell immune regulator 1, ATPase H+ transporting V0 subunit a3; plus strand). Cytogenetic location: 11q13.2.
Variant type: Duplication.
Coding change: c.1015_1019dup on transcript NM_006019.4 (MANE Select); coding-DNA positions 1015 to 1019, 5 bases duplicated (AGCTC; older notation c.1015_1019dupAGCTC).
Protein change: p.Met341fs; shifts the reading frame from methionine 341.
Molecular consequence: frameshift variant. On other transcripts: intron variant (4).
Genome position (GRCh38, 1-based): chr11:68,044,339-68,044,343, AGCTC duplicated; duplicating any 5 consecutive bases within chr11:68,044,338-68,044,343 gives the same sequence; the c. name uses the placement nearest the transcript's 3' end. VCF-style (leftmost placement, unchanged base first): chr11-68044337-A-ACAGCT. GRCh37 (hg19) VCF-style: chr11-67811804-A-ACAGCT.
Other names: c.367_371dup, p.Met125fs (NM_006053.4); c.807+432_807+436dup (NM_001440559.1, NM_001440560.1); c.503+1308_503+1312dup (NM_001440569.1); c.552+432_552+436dup (NM_001440568.1); c.121_125dup, p.Met43fs (NM_001351059.2); c.1015_1019dup, p.Met341fs (NM_001440552.1, NM_001440553.1, NM_001440554.1 and 2 more transcripts); c.973_977dup, p.Met327fs (NM_001440555.1, NM_001440556.1, NM_001440563.1); c.802_806dup, p.Met270fs (NM_001440561.1, NM_001440562.1, NM_001440566.1 and 1 more transcripts); and 2 more; short protein forms M125fs, M241fs, M256fs, M270fs, M327fs, M341fs, M43fs.
Identifiers: ClinVar variation 4815476 (VCV004815476.1).